The following is an entry in ClinVar:

ClinVar aggregate classification (germline): Uncertain significance (1 of 4 stars; one submission).

Conditions:
RASopathy. Also called: Noonan spectrum disorder; rasopathies. Identifiers: Orphanet 536391, MedGen C5555857, MONDO:0021060.

Submission:

Labcorp Genetics (formerly Invitae), Labcorp
Classification: Uncertain significance for RASopathy. Last evaluated: 2022-11-12. Review status: criteria provided, single submitter. Criteria: Invitae Variant Classification Sherloc (09022015). Collection method: clinical testing. Allele origin: germline.
Comment: Advanced modeling of protein sequence and biophysical properties (such as structural, functional, and spatial information, amino acid conservation, physicochemical variation, residue mobility, and thermodynamic stability) performed at Invitae indicates that this missense variant is not expected to disrupt CBL protein function. In summary, the available evidence is currently insufficient to determine the role of this variant in disease. Therefore, it has been classified as a Variant of Uncertain Significance. This variant has not been reported in the literature in individuals affected with CBL-related conditions. This variant is not present in population databases (gnomAD no frequency). This sequence change replaces arginine, which is basic and polar, with proline, which is neutral and non-polar, at codon 788 of the CBL protein (p.Arg788Pro).

NM_005188.4(CBL):c.2363G>C (p.Arg788Pro)

Gene: CBL (Cbl proto-oncogene; plus strand). Cytogenetic location: 11q23.3.
Variant type: single nucleotide variant.
Coding change: c.2363G>C on transcript NM_005188.4 (MANE Select); coding-DNA position 2363, G replaced by C.
Protein change: p.Arg788Pro; replaces arginine 788 with proline.
Molecular consequence: missense variant.
Genome position (GRCh38, 1-based): chr11:119,298,469, G>C. VCF-style: chr11-119298469-G-C. GRCh37 (hg19) VCF-style: chr11-119169179-G-C.
Other names: short protein forms R788P.
Identifiers: ClinVar variation 2990316 (VCV002990316.3), dbSNP rs150811339, ClinGen allele CA382929673.
Genomic context (GRCh38, chr11:119,298,469, plus strand): 5'-AAAATGAGGATGATGGGTATGATGTCCCAAAGCCACCTGTGCCGGCCGTGCTGGCCCGCC[G>C]AACTCTCTCAGATATCTCTAATGCCAGCTCCTCCTTTGGCTGGTTGTCTCTGGATGGTGA-3'
Protein context (NP_005179.2, residues 778-798): KPPVPAVLAR[Arg788Pro]TLSDISNASS